The following is an entry in ClinVar:

ClinVar aggregate classification (germline): Conflicting classifications of pathogenicity. Review status: criteria provided, conflicting classifications (1 of 4 stars). 3 submissions from 3 submitters: Uncertain significance (2); Likely benign (1). Last evaluated 2025-08-31.

Conditions:
Rhabdoid tumor predisposition syndrome 2 (RTPS2). Identifiers: Orphanet 231108, Orphanet 69077, MedGen C2750074, MONDO:0013224, OMIM 613325.
Hereditary cancer-predisposing syndrome. Also called: Neoplastic Syndromes, Hereditary; Tumor predisposition; Hereditary neoplastic syndrome; Hereditary Cancer Syndrome. Identifiers: Orphanet 140162, MedGen C0027672, MeSH D009386, MONDO:0015356.

Allele frequency attached by ClinVar (database versions not stated): gnomAD exomes below 0.00001; TOPMed below 0.00001; ExAC 0.00001; gnomAD 0.00001.
gnomAD v4.1: 7 of 1,614,128 alleles (0.00043%); highest among the groups gnomAD compares: Non-Finnish European, 0.00059%; no homozygotes.

Submissions (3):

Labcorp Genetics (formerly Invitae), Labcorp
Classification: Uncertain significance for Rhabdoid tumor predisposition syndrome 2. Last evaluated: 2025-08-31. Review status: criteria provided, single submitter. Criteria: Invitae Variant Classification Sherloc (09022015). Collection method: clinical testing. Allele origin: germline.
Comment: This sequence change replaces alanine, which is neutral and non-polar, with threonine, which is neutral and polar, at codon 589 of the SMARCA4 protein (p.Ala589Thr). This variant is present in population databases (rs765850087, gnomAD 0.0009%). This variant has not been reported in the literature in individuals affected with SMARCA4-related conditions. ClinVar contains an entry for this variant (Variation ID: 567661). Invitae Evidence Modeling of protein sequence and biophysical properties (such as structural, functional, and spatial information, amino acid conservation, physicochemical variation, residue mobility, and thermodynamic stability) indicates that this missense variant is not expected to disrupt SMARCA4 protein function with a negative predictive value of 95%. In summary, the available evidence is currently insufficient to determine the role of this variant in disease. Therefore, it has been classified as a Variant of Uncertain Significance.

Ambry Genetics
Classification: Likely benign for Hereditary cancer-predisposing syndrome. Last evaluated: 2025-07-03. Review status: criteria provided, single submitter. Criteria: Ambry Variant Classification Scheme 2023. Collection method: clinical testing. Allele origin: germline.

Sema4
Classification: Uncertain significance for Hereditary cancer-predisposing syndrome. Last evaluated: 2021-12-28. Review status: criteria provided, single submitter. Criteria: Sema4 Curation Guidelines. Collection method: curation. Allele origin: germline.
Comment: The SMARCA4 c.1765G>A (p.A589T) variant has been reported in heterozygosity in at least 1 individual with advanced cancer (PMID: 28873162). This variant was observed in 1/113766 chromosomes in the European (non-Finnish) population, according to the Genome Aggregation Database (PMID: 32461654). This variant has been reported in ClinVar (Variation ID: 567661). In silico tools suggest the impact of the variant on protein function is benign, though these predictions have not been confirmed by functional studies. The evidence is insufficient to meet ACMG/AMP criteria for classifying the variant as benign or pathogenic. Thus, the clinical significance of this variant is currently uncertain.

Literature cited by the submitters: PubMed 28873162 (cited by Sema4).

NM_003072.5(SMARCA4):c.1765G>A (p.Ala589Thr)

Gene: SMARCA4 (SWI/SNF related BAF chromatin remodeling complex subunit ATPase 4; plus strand). Cytogenetic location: 19p13.2.
Variant type: single nucleotide variant.
Coding change: c.1765G>A on transcript NM_003072.5 (MANE Select); coding-DNA position 1765, G replaced by A.
Protein change: p.Ala589Thr; replaces alanine 589 with threonine.
Molecular consequence: missense variant. On other transcripts: non-coding transcript variant (1).
Genome position (GRCh38, 1-based): chr19:10,996,497, G>A. VCF-style: chr19-10996497-G-A. GRCh37 (hg19) VCF-style: chr19-11107173-G-A.
Other names: c.1765G>A, p.Ala589Thr (NM_001128844.3, NM_001128845.2, NM_001128846.2 and 5 more transcripts); short protein forms A589T.
Identifiers: ClinVar variation 567661 (VCV000567661.13), dbSNP rs765850087, ClinGen allele CA9203891.